The following is an entry in ClinVar:

ClinVar aggregate classification (germline): Conflicting classifications of pathogenicity. Review status: criteria provided, conflicting classifications (1 of 4 stars). 2 submissions from 2 submitters: Uncertain significance (1); Likely benign (1). Last evaluated 2022-09-01.

Conditions:
Arthrogryposis, distal, type 1A. Also called: ARTHROGRYPOSIS MULTIPLEX CONGENITA, DISTAL, TYPE I. Identifiers: Orphanet 1146, MedGen C6022280, MONDO:0007157, OMIM 108120.

Submissions (2):

Labcorp Genetics (formerly Invitae), Labcorp
Classification: Likely benign for Arthrogryposis, distal, type 1A. Last evaluated: 2022-09-01. Review status: criteria provided, single submitter. Criteria: Invitae Variant Classification Sherloc (09022015). Collection method: clinical testing. Allele origin: germline.

GeneDx
Classification: Uncertain significance. Last evaluated: 2019-07-10. Review status: criteria provided, single submitter. Criteria: GeneDx Variant Classification Process June 2021. Collection method: clinical testing. Allele origin: germline. Affected: yes.
Comment: Not observed in large population cohorts (Lek et al., 2016); Located in a region that tolerates variation and lacks pathogenic variants; Has not been previously published as pathogenic or benign to our knowledge; In-silico analysis, which includes splice predictors and evolutionary conservation, is inconclusive as to whether the variant alters gene splicing. In the absence of RNA/functional studies, the actual effect of this sequence change is unknown.

NM_003289.4(TPM2):c.773-9_773-8insCA

Gene: TPM2 (tropomyosin 2; minus strand). Cytogenetic location: 9p13.3.
Variant type: Insertion.
Coding change: c.773-9_773-8insCA on transcript NM_003289.4 (MANE Select); 9 bases into the intron before coding-DNA position 773 through 8 bases into the intron before coding-DNA position 773, CA inserted.
Molecular consequence: intron variant.
Genome position: GRCh38 VCF-style: chr9-35683249-G-GGT. GRCh37 (hg19) VCF-style: chr9-35683246-G-GGT.
Other names: c.772+996_772+997insCA (NM_213674.1, NM_001301226.2); c.773-9_773-8insCA (NM_001301227.2).
Identifiers: ClinVar variation 1302243 (VCV001302243.7), dbSNP rs1554658503, ClinGen allele CA863580870.
Genomic context (GRCh38, chr9:35,683,249, plus strand): 5'-GTCCAGTTCCTCGCTAATGGCCTTGTACTTCATCTTCTGGGCATAGACTTCATCTGGGGG[G>GGT]GGTCCAGGGAGGGGACCAGGTGGGAGTGTGGGAAAGGGAGTGGAGGGAAAGAGGAAAGGA-3'